The following is an entry in ClinVar:

NM_001009944.3(PKD1):c.7636C>T (p.His2546Tyr)

Gene: PKD1 (polycystin 1, transient receptor potential channel interacting; minus strand). Cytogenetic location: 16p13.3.
Variant type: single nucleotide variant.
Coding change: c.7636C>T on transcript NM_001009944.3 (MANE Select); coding-DNA position 7636, C replaced by T.
Protein change: p.His2546Tyr; replaces histidine 2546 with tyrosine.
Molecular consequence: missense variant.
Genome position (GRCh38, 1-based): chr16:2,106,158, G>A on the plus strand (C>T on the coding strand, the complement: PKD1 is on the minus strand). VCF-style: chr16-2106158-G-A. GRCh37 (hg19) VCF-style: chr16-2156159-G-A.
Other names: p.His2546Tyr; c.7636C>T, p.His2546Tyr (NM_000296.4); short protein forms H2546Y.
Identifiers: ClinVar variation 381477 (VCV000381477.51), dbSNP rs200037070, ClinGen allele CA7830999.

ClinVar aggregate classification (germline): Conflicting classifications of pathogenicity. Review status: criteria provided, conflicting classifications (1 of 4 stars). 14 submissions from 14 submitters: Uncertain significance (1); Benign (3); Likely benign (5). 5 of the submissions do not count toward it. Last evaluated 2026-05-15.

Conditions:
Polycystic kidney disease, adult type (PKD1). Also called: POLYCYSTIC KIDNEY DISEASE 1 WITH OR WITHOUT POLYCYSTIC LIVER DISEASE; Polycystic Kidney, Autosomal Dominant; POLYCYSTIC KIDNEY DISEASE, ADULT, TYPE I; Polycystic Kidney Disease 1, Autosomal Dominant; Polycystic kidney disease 1; Polycystic kidney disease 1, severe. Identifiers: MedGen C3149841, MONDO:0008263, OMIM 173900.
PKD1-related disorder. Also called: PKD1-related condition.
Polycystic kidney disease. Also called: Polycystic kidney dysplasia; Kidney, Polycystic. Identifiers: MedGen C0022680, MeSH D007690, MONDO:0020642, HP:0000113.
Inborn genetic diseases. Identifiers: MedGen C0950123, MeSH D030342.

Allele frequency attached by ClinVar (database versions not stated): 1000 Genomes Project 30x 0.00031; 1000 Genomes Project 0.00040; ESP Exome Variant Server 0.00095; TOPMed 0.00100; gnomAD 0.00138 and 0.00145; gnomAD exomes 0.00155 and 0.00164; ExAC 0.00289.
gnomAD v4.1: 2,431 of 1,608,318 alleles (0.15%); highest among the groups gnomAD compares: Non-Finnish European, 0.16%; 2 homozygotes.

Submissions (14):

Women's Health and Genetics/Laboratory Corporation of America, LabCorp
Classification: Likely benign. Last evaluated: 2026-05-15. Review status: criteria provided, single submitter. Criteria: LabCorp Variant Classification Summary - May 2015. Collection method: clinical testing. Allele origin: germline.
Comment: Variant summary: PKD1 c.7636C>T (p.His2546Tyr) results in a conservative amino acid change in the encoded protein sequence. Algorithms developed to predict the effect of missense changes on protein structure and function all suggest that this variant is likely to be tolerated. The variant allele was found at a frequency of 0.0015 in 1608318 control chromosomes, predominantly at a frequency of 0.0049 within the Finnish subpopulation in the gnomAD database v4, including 2 homozygotes. The observed variant frequency within Finnish control individuals in the gnomAD database exceeds the estimated maximal expected allele frequency for disease-causing variants in PKD1. c.7636C>T has been observed in individuals affected with Polycystic Kidney Disease (Hoefele_2011, Carrera_2016, Cornthwaite_2022) without strong evidence for causality. These reports do not provide unequivocal conclusions about association of the variant with PKD1-related conditions. To our knowledge, no experimental evidence demonstrating an impact on protein function has been reported. The following publications have been ascertained in the context of this evaluation (PMID: 27499327, 21115670, 36068917). ClinVar contains an entry for this variant (Variation ID: 381477). Based on the evidence outlined above, the variant was classified as likely benign.

Mayo Clinic Laboratories, Mayo Clinic
Classification: Likely benign. Last evaluated: 2025-05-20. Review status: criteria provided, single submitter. Criteria: ACMG Guidelines, 2015. Collection method: clinical testing. Allele origin: germline. Observed: 6 variant alleles.
Comment: BS1

Blueprint Genetics
Classification: Likely benign. Last evaluated: 2024-11-23. Review status: criteria provided, single submitter. Criteria: ACMG Guidelines, 2015. Collection method: clinical testing. Allele origin: germline.

CeGaT Center for Human Genetics Tuebingen
Classification: Benign. Last evaluated: 2024-06-01. Review status: criteria provided, single submitter. Criteria: CeGaT Center For Human Genetics Tuebingen Variant Classification Criteria Version 2. Collection method: clinical testing. Allele origin: germline. Affected: yes. Observed: 5 variant alleles.
Comment: PKD1: BP4, BS1, BS2

Ambry Genetics
Classification: Likely benign for Inborn genetic diseases. Last evaluated: 2021-10-05. Review status: criteria provided, single submitter. Criteria: Ambry Variant Classification Scheme 2023. Collection method: clinical testing. Allele origin: germline.

Athena Diagnostics
Classification: Benign. Last evaluated: 2020-03-04. Review status: criteria provided, single submitter. Criteria: Athena Diagnostics Criteria. Collection method: clinical testing. Allele origin: unknown.

Centre for Mendelian Genomics, University Medical Centre Ljubljana
Classification: Uncertain significance for Polycystic kidney disease, adult type. Last evaluated: 2019-06-05. Review status: criteria provided, single submitter. Criteria: ACMG Guidelines, 2015. Collection method: clinical testing. Allele origin: unknown. Affected: yes.
Comment: This variant was classified as: Uncertain significance. The available evidence favors the pathogenic nature of this variant, however the currently available data is insufficient to conclusively support its pathogenic nature. Thus this variant is classified as Uncertain significance - favor pathogenic. The following ACMG criteria were applied in classifying this variant: BP4.

ARUP Laboratories, Molecular Genetics and Genomics, ARUP Laboratories
Classification: Benign for Polycystic kidney disease, adult type. Last evaluated: 2019-02-15. Review status: criteria provided, single submitter. Criteria: ARUP Molecular Germline Variant Investigation Process. Collection method: clinical testing. Allele origin: germline.

GeneDx
Classification: Likely benign. Last evaluated: 2016-07-06. Review status: criteria provided, single submitter. Criteria: GeneDx Variant Classification (06012015). Collection method: clinical testing. Allele origin: germline. Affected: yes.
Comment: This variant is considered likely benign or benign based on one or more of the following criteria: it is a conservative change, it occurs at a poorly conserved position in the protein, it is predicted to be benign by multiple in silico algorithms, and/or has population frequency not consistent with disease.

PreventionGenetics, part of Exact Sciences
Classification: Likely benign for PKD1-related condition. Last evaluated: 2023-11-29. Review status: no assertion criteria provided. Collection method: clinical testing. Allele origin: germline. Not counted in ClinVar's aggregate classification.
Comment: This variant is classified as likely benign based on ACMG/AMP sequence variant interpretation guidelines (Richards et al. 2015 PMID: 25741868, with internal and published modifications).

Clinical Genetics DNA and cytogenetics Diagnostics Lab, Erasmus MC, Erasmus Medical Center
Classification: Likely benign. Review status: no assertion criteria provided. Collection method: clinical testing. Allele origin: germline. Affected: yes. Study: VKGL Data-share Consensus. Not counted in ClinVar's aggregate classification.

Department of Pathology and Laboratory Medicine, Sinai Health System
Classification: Likely benign for Polycystic Kidney disease. Review status: no assertion criteria provided. Collection method: clinical testing. Allele origin: unknown. Affected: yes. Study: The Canadian Open Genetics Repository (COGR). Not counted in ClinVar's aggregate classification.
Comment: The PKD1 p.His2546Tyr variant was identified in 2 of 186 proband chromosomes (frequency: 0.010752688172043) from individuals or families with autosomal dominant polycystic kidney disease and was not identified in 200 control chromosomes from healthy individuals (Hoefele_2011_ 21115670). The variant was also identified in dbSNP (ID: rs200037070) as â€šÃ„ÃºWith Likely benign alleleâ€šÃ„Ã¹, in ClinVar (Likely Benign by GeneDx), LOVD 3.0 (3x as Likely Benign 1x as VUS), ADPKD Mutation Database (1x as Likely Neutral). The variant was not identified in PKD1-LOVD. The variant was identified in control databases in 403 of 247588 chromosomes (2 homozygous) at a frequency of 0.002 increasing the likelihood this could be a low frequency benign variant (Genome Aggregation Database Feb 27, 2017). The variant was observed in the following populations: African in 1 of 20394 chromosomes (freq: 0.00005), Other in 9 of 5890 chromosomes (freq: 0.002), Latino in 1 of 31996 chromosomes (freq: 0.00003), European Non-Finnish in 235 of 110126 chromosomes (freq: 0.002), Ashkenazi Jewish in 26 of 9530 chromosomes (freq: 0.003), Finnish in 131 of 22822 chromosomes (freq: 0.006); it was not observed in the East Asian, and South Asian populations. In addition we cannot be certain that data from control databases is specific to PKD1 and not from one of the six PKD1 pseudogenes. The p.His2546 residue is not conserved in mammals and computational analyses (PolyPhen-2, SIFT, AlignGVGD, BLOSUM, MutationTaster) do not suggest a high likelihood of impact to the protein; however, this information is not predictive enough to rule out pathogenicity. The variant occurs outside of the splicing consensus sequence and in silico or computational prediction software programs (SpliceSiteFinder, MaxEntScan, NNSPLICE, GeneSplicer) do not predict a difference in splicing. In summary, based on the above information the clinical significance of this variant cannot be determined with certainty at this time although we would lean towards a more benign role for this variant. This variant is classified as likely benign.

Genome Diagnostics Laboratory, University Medical Center Utrecht
Classification: Likely benign. Review status: no assertion criteria provided. Collection method: clinical testing. Allele origin: germline. Affected: yes. Study: VKGL Data-share Consensus. Not counted in ClinVar's aggregate classification.

Laboratory of Diagnostic Genome Analysis, Leiden University Medical Center (LUMC)
Classification: Likely benign. Review status: no assertion criteria provided. Collection method: clinical testing. Allele origin: germline. Affected: yes. Study: VKGL Data-share Consensus. Not counted in ClinVar's aggregate classification.

Literature cited by the submitters: PubMed 27499327 (cited by Women's Health and Genetics/Laboratory Corporation of America, LabCorp and Mayo Clinic Laboratories, Mayo Clinic); PubMed 21115670 (cited by 3 submitters); PubMed 36068917 (cited by Women's Health and Genetics/Laboratory Corporation of America, LabCorp).